The following is an entry in ClinVar:

ClinVar aggregate classification (germline): Uncertain significance (1 of 4 stars; one submission).

Conditions:
Familial focal epilepsy with variable foci (FPEVF). Identifiers: Orphanet 98820, MedGen C1858477, MONDO:0020310.

Submission:

Labcorp Genetics (formerly Invitae), Labcorp
Classification: Uncertain significance for Familial focal epilepsy with variable foci. Last evaluated: 2023-01-20. Review status: criteria provided, single submitter. Criteria: Invitae Variant Classification Sherloc (09022015). Collection method: clinical testing. Allele origin: germline.
Comment: This variant is not present in population databases (gnomAD no frequency). In summary, the available evidence is currently insufficient to determine the role of this variant in disease. Therefore, it has been classified as a Variant of Uncertain Significance. Algorithms developed to predict the effect of missense changes on protein structure and function are either unavailable or do not agree on the potential impact of this missense change (SIFT: "Tolerated"; PolyPhen-2: "Not Available"; Align-GVGD: "Class C0"). This variant has not been reported in the literature in individuals affected with DEPDC5-related conditions. This sequence change replaces leucine, which is neutral and non-polar, with phenylalanine, which is neutral and non-polar, at codon 892 of the DEPDC5 protein (p.Leu892Phe).

NM_001242896.3(DEPDC5):c.2674C>T (p.Leu892Phe)

Gene: DEPDC5 (DEP domain containing 5, GATOR1 subcomplex subunit; plus strand). Cytogenetic location: 22q12.3.
Variant type: single nucleotide variant.
Coding change: c.2674C>T on transcript NM_001242896.3 (MANE Select); coding-DNA position 2674, C replaced by T.
Protein change: p.Leu892Phe; replaces leucine 892 with phenylalanine.
Molecular consequence: missense variant. On other transcripts: non-coding transcript variant (5).
Genome position (GRCh38, 1-based): chr22:31,843,685, C>T. VCF-style: chr22-31843685-C-T. GRCh37 (hg19) VCF-style: chr22-32239671-C-T.
Other names: c.2647C>T, p.Leu883Phe (NM_001136029.4, NM_001369903.1, NM_014662.6); c.2440C>T, p.Leu814Phe (NM_001242897.2, NM_001363854.2, NM_001364319.2); c.2674C>T, p.Leu892Phe (NM_001363852.2, NM_001364318.2, NM_001364320.2); c.2590C>T, p.Leu864Phe (NM_001369901.1, NM_001369902.1); short protein forms L883F, L814F, L864F, L892F.
Identifiers: ClinVar variation 2790092 (VCV002790092.3), dbSNP rs2520117542, ClinGen allele CA411289739.